The following is an entry in ClinVar:

ClinVar aggregate classification (germline): Uncertain significance (1 of 4 stars; one submission).

Submission:

Ambry Genetics
Classification: Uncertain significance. Last evaluated: 2024-05-03. Review status: criteria provided, single submitter. Criteria: Ambry Variant Classification Scheme 2023. Collection method: clinical testing. Allele origin: germline.
Comment: The p.E767D variant (also known as c.2301A>T), located in coding exon 21 of the PRKDC gene, results from an A to T substitution at nucleotide position 2301. The glutamic acid at codon 767 is replaced by aspartic acid, an amino acid with highly similar properties. This amino acid position is conserved. In addition, this alteration is predicted to be tolerated by in silico analysis. Based on the available evidence, the clinical significance of this variant remains unclear.

NM_006904.7(PRKDC):c.2301A>T (p.Glu767Asp)

Gene: PRKDC (protein kinase, DNA-activated, catalytic subunit; minus strand). Cytogenetic location: 8q11.21.
Variant type: single nucleotide variant.
Coding change: c.2301A>T on transcript NM_006904.7 (MANE Select); coding-DNA position 2301, A replaced by T.
Protein change: p.Glu767Asp; replaces glutamic acid 767 with aspartic acid.
Molecular consequence: missense variant.
Genome position (GRCh38, 1-based): chr8:47,927,312, T>A on the plus strand (A>T on the coding strand, the complement: PRKDC is on the minus strand). VCF-style: chr8-47927312-T-A. GRCh37 (hg19) VCF-style: chr8-48839872-T-A.
Other names: c.2301A>T, p.Glu767Asp (NM_001081640.2); short protein forms E767D.
Identifiers: ClinVar variation 3310137 (VCV003310137.1).
Genomic context (GRCh38, chr8:47,927,312, plus strand): 5'-AGGCTGCATTACATGTCTGTCAATATAAATTGACCATTCTTCTAGAGCATTCAGGCCTAC[T>A]TCTGCCAAGGGGGTATAGCTCAGGCCCAGTTTGAAAGCCATCTGTATGTTAATACAAACA-3'
Protein context (NP_008835.5, residues 757-777): KLGLSYTPLA[Glu767Asp]VGLNALEEWS